The following is an entry in ClinVar:

NM_001164508.2(NEB):c.2944-750A>G

Gene: NEB (nebulin; minus strand). Cytogenetic location: 2q23.3.
Variant type: single nucleotide variant.
Coding change: c.2944-750A>G on transcript NM_001164508.2 (MANE Select); 750 bases into the intron before coding-DNA position 2944, A replaced by G.
Molecular consequence: intron variant.
Genome position (GRCh38, 1-based): chr2:151,681,578, T>C on the plus strand (A>G on the coding strand, the complement: NEB is on the minus strand). VCF-style: chr2-151681578-T-C. GRCh37 (hg19) VCF-style: chr2-152538092-T-C.
Other names: NM_001164508.2:c.2944-750A>G; c.2944-750A>G (NM_004543.5, NM_001164507.2, NM_001271208.2).
Identifiers: ClinVar variation 4819575 (VCV004819575.1).

ClinVar aggregate classification (germline): Uncertain significance (1 of 4 stars; one submission).

Conditions:
Nemaline myopathy 2 (NEM2). Also called: Nemaline myopathy 2, autosomal recessive. Identifiers: MedGen C1850569, MONDO:0009725, OMIM 256030.

Submission:

Broad Center for Mendelian Genomics, Broad Institute of MIT and Harvard
Classification: Uncertain significance for Nemaline myopathy 2. Last evaluated: 2026-03-05. Review status: criteria provided, single submitter. Criteria: ACMG Guidelines, 2015. Collection method: research. Allele origin: germline. Inheritance: Autosomal recessive inheritance. Study: GREGoR Consortium.
Comment: The c.2944-750A>G variant in NEB has not been previously reported in individuals with nemaline myopathy 2, and was absent from large population studies. The variant was identified by trio whole genome sequencing in two male siblings with congenital myopathy and restrictive lung disease who harbored a second variant of uncertain significance in NEB, but phase of these variants could not be confirmed (Broad Institute Rare Genomes Project). Computational prediction tools and conservation analyses do not provide strong support for or against an impact to the protein. In summary, the clinical significance of this variant is uncertain. ACMG/AMP Criteria applied: PM2_supporting.